The following is an entry in ClinVar:

ClinVar aggregate classification (germline): Uncertain significance. Review status: criteria provided, multiple submitters, no conflicts (2 of 4 stars). 2 submissions from 2 submitters: Uncertain significance (2). Last evaluated 2025-11-12.

Conditions:
Cardiovascular phenotype. Identifiers: MedGen CN230736.
RASopathy. Also called: Noonan spectrum disorder; rasopathies. Identifiers: Orphanet 536391, MedGen C5555857, MONDO:0021060.

Submissions (2):

Labcorp Genetics (formerly Invitae), Labcorp
Classification: Uncertain significance for RASopathy. Last evaluated: 2025-11-12. Review status: criteria provided, single submitter. Criteria: Invitae Variant Classification Sherloc (09022015). Collection method: clinical testing. Allele origin: germline.
Comment: This sequence change replaces threonine, which is neutral and polar, with serine, which is neutral and polar, at codon 268 of the RAF1 protein (p.Thr268Ser). This variant is not present in population databases (gnomAD no frequency). This variant has not been reported in the literature in individuals affected with RAF1-related conditions. ClinVar contains an entry for this variant (Variation ID: 1378974). Invitae Evidence Modeling incorporating data from in vitro experimental studies (internal data) did not meet the statistical confidence thresholds required to predict the impact of this variant on RAF1 function. In summary, the available evidence is currently insufficient to determine the role of this variant in disease. Therefore, it has been classified as a Variant of Uncertain Significance.

Ambry Genetics
Classification: Uncertain significance for Cardiovascular phenotype. Last evaluated: 2025-08-12. Review status: criteria provided, single submitter. Criteria: Ambry Variant Classification Scheme 2023. Collection method: clinical testing. Allele origin: germline.

NM_002880.4(RAF1):c.803C>G (p.Thr268Ser)

Gene: RAF1 (Raf-1 proto-oncogene, serine/threonine kinase; minus strand). Cytogenetic location: 3p25.2.
Variant type: single nucleotide variant.
Coding change: c.803C>G on transcript NM_002880.4 (MANE Select); coding-DNA position 803, C replaced by G.
Protein change: p.Thr268Ser; replaces threonine 268 with serine.
Molecular consequence: missense variant. On other transcripts: non-coding transcript variant (3).
Genome position (GRCh38, 1-based): chr3:12,604,167, G>C on the plus strand (C>G on the coding strand, the complement: RAF1 is on the minus strand). VCF-style: chr3-12604167-G-C. GRCh37 (hg19) VCF-style: chr3-12645666-G-C.
Other names: c.803C>G (NM_002880.3); c.803C>G, p.Thr268Ser (NM_001354689.3, NM_001354690.3); c.560C>G, p.Thr187Ser (NM_001354691.3, NM_001354692.3, NM_001354694.3); c.704C>G, p.Thr235Ser (NM_001354693.3); c.461C>G, p.Thr154Ser (NM_001354695.3); short protein forms T187S, T235S, T154S, T268S.
Identifiers: ClinVar variation 1378974 (VCV001378974.9), dbSNP rs2125397288, ClinGen allele CA351512180.